The following is an entry in ClinVar:

NM_000135.4(FANCA):c.1084C>G (p.Leu362Val)

Gene: FANCA (FA complementation group A; minus strand). Cytogenetic location: 16q24.3.
Variant type: single nucleotide variant.
Coding change: c.1084C>G on transcript NM_000135.4 (MANE Select); coding-DNA position 1084, C replaced by G.
Protein change: p.Leu362Val; replaces leucine 362 with valine.
Molecular consequence: missense variant.
Genome position (GRCh38, 1-based): chr16:89,792,068, G>C on the plus strand (C>G on the coding strand, the complement: FANCA is on the minus strand). VCF-style: chr16-89792068-G-C. GRCh37 (hg19) VCF-style: chr16-89858476-G-C.
Other names: c.1084C>G, p.Leu362Val (NM_001286167.3); short protein forms L362V.
Identifiers: ClinVar variation 941547 (VCV000941547.12), dbSNP rs2040094709, ClinGen allele CA397466427.

ClinVar aggregate classification (germline): Uncertain significance. Review status: criteria provided, single submitter (1 of 4 stars). 2 submissions from 2 submitters: Uncertain significance (1). 1 of the submissions does not count toward it. Last evaluated 2019-09-07.

Conditions:
Fanconi anemia (FA). Also called: Fanconi's anemia. Identifiers: Orphanet 84, MedGen C0015625, MeSH D005199, MONDO:0019391.

Allele frequency attached by ClinVar (database versions not stated): gnomAD exomes below 0.00001.
gnomAD v4.1: 3 of 1,614,184 alleles (0.00019%); highest among the groups gnomAD compares: African/African-American, 0.0013%; no homozygotes.

Submissions (2):

Labcorp Genetics (formerly Invitae), Labcorp
Classification: Uncertain significance for Fanconi anemia. Last evaluated: 2019-09-07. Review status: criteria provided, single submitter. Criteria: Invitae Variant Classification Sherloc (09022015). Collection method: clinical testing. Allele origin: germline.
Comment: Algorithms developed to predict the effect of missense changes on protein structure and function output the following: SIFT: "Tolerated"; PolyPhen-2: "Benign"; Align-GVGD: "Class C0". The valine amino acid residue is found in multiple mammalian species, suggesting that this missense change does not adversely affect protein function. These predictions have not been confirmed by published functional studies and their clinical significance is uncertain. This variant has not been reported in the literature in individuals with FANCA-related conditions. This variant is not present in population databases (ExAC no frequency). This sequence change replaces leucine with valine at codon 362 of the FANCA protein (p.Leu362Val). The leucine residue is moderately conserved and there is a small physicochemical difference between leucine and valine. Algorithms developed to predict the effect of sequence changes on RNA splicing suggest that this variant may create or strengthen a splice site, but this prediction has not been confirmed by published transcriptional studies. In summary, the available evidence is currently insufficient to determine the role of this variant in disease. Therefore, it has been classified as a Variant of Uncertain Significance.

Natera, Inc.
Classification: Uncertain significance for Fanconi anemia. Last evaluated: 2020-08-27. Review status: no assertion criteria provided. Collection method: clinical testing. Allele origin: germline. Not counted in ClinVar's aggregate classification.